The following is an entry in ClinVar:

ClinVar aggregate classification (germline): Uncertain significance (1 of 4 stars; one submission).

gnomAD v4.1: 10 of 1,613,786 alleles (0.00062%); highest among the groups gnomAD compares: South Asian, 0.0088%; no homozygotes.

Submission:

Labcorp Genetics (formerly Invitae), Labcorp
Classification: Uncertain significance. Last evaluated: 2024-06-19. Review status: criteria provided, single submitter. Criteria: Invitae Variant Classification Sherloc (09022015). Collection method: clinical testing. Allele origin: germline.
Comment: This sequence change falls in intron 8 of the NIN gene. It does not directly change the encoded amino acid sequence of the NIN protein. It affects a nucleotide within the consensus splice site. This variant is present in population databases (rs763980946, gnomAD 0.003%). This variant has not been reported in the literature in individuals affected with NIN-related conditions. Variants that disrupt the consensus splice site are a relatively common cause of aberrant splicing (PMID: 17576681, 9536098). Algorithms developed to predict the effect of sequence changes on RNA splicing suggest that this variant is not likely to affect RNA splicing. In summary, the available evidence is currently insufficient to determine the role of this variant in disease. Therefore, it has been classified as a Variant of Uncertain Significance.

Literature cited by the submitters: PubMed 17576681; PubMed 9536098.

NM_020921.4(NIN):c.814-3C>T

Gene: NIN (ninein; minus strand). Cytogenetic location: 14q22.1.
Variant type: single nucleotide variant.
Coding change: c.814-3C>T on transcript NM_020921.4 (MANE Select); 3 bases into the intron before coding-DNA position 814, C replaced by T.
Molecular consequence: intron variant.
Genome position (GRCh38, 1-based): chr14:50,772,471, G>A on the plus strand (C>T on the coding strand, the complement: NIN is on the minus strand). VCF-style: chr14-50772471-G-A. GRCh37 (hg19) VCF-style: chr14-51239189-G-A.
Other names: c.814-3C>T (NM_016350.5, NM_182946.2, NM_182944.3).
Identifiers: ClinVar variation 3686056 (VCV003686056.2).
Genomic context (GRCh38, chr14:50,772,471, plus strand): 5'-CAATGGTACTTGTCATTGCTGATGAGGTTGTGGTACGTCGTCCACTCTCATCGAAAGACT[G>A]GAAGGAGGAAGAGACTTGAGTAAGCCTAGCTTGATTCCAGGCATTTCAACAAGATATTGG-3'